The following is an entry in ClinVar:

NM_006277.3(ITSN2):c.2115A>G (p.Lys705=)

Gene: ITSN2 (intersectin 2; minus strand). Cytogenetic location: 2p23.3.
Variant type: single nucleotide variant.
Coding change: c.2115A>G on transcript NM_006277.3 (MANE Select); coding-DNA position 2115, A replaced by G.
Protein change: p.Lys705=; no amino-acid change (lysine 705 retained).
Molecular consequence: synonymous variant.
Genome position (GRCh38, 1-based): chr2:24,271,908, T>C on the plus strand (A>G on the coding strand, the complement: ITSN2 is on the minus strand). VCF-style: chr2-24271908-T-C. GRCh37 (hg19) VCF-style: chr2-24494777-T-C.
Other names: c.2073A>G, p.Lys691= (NM_001348181.2); c.2034A>G, p.Lys678= (NM_001348182.2, NM_001348183.2, NM_001348186.2 and 1 more transcripts); c.1992A>G, p.Lys664= (NM_001348184.2); c.2115A>G, p.Lys705= (NM_001348185.2, NM_147152.3).
Identifiers: ClinVar variation 3032128 (VCV003032128.3), dbSNP rs779879323, ClinGen allele CA1551277.
Genomic context (GRCh38, chr2:24,271,908, plus strand): 5'-TTGTGTTTTTTCTTCCTGGAGTCGCTTTTGTTTTTCTTCTTCCTCCTTTCTAAGATTTTC[T>C]TTCCATAAGTTTTCTTTTCCTTGCTTTGCTTTCCTTTACATAAAAGAAAAAGAGTTTGTA-3'
Protein context (NP_006268.2, residues 695-715): KAKQGKENLW[Lys705=]ENLRKEEEEK

ClinVar aggregate classification (germline): Likely benign. Review status: criteria provided, single submitter (1 of 4 stars). 2 submissions from 2 submitters: Likely benign (1). 1 of the submissions does not count toward it.

Conditions:
ITSN2-related disorder. Also called: ITSN2-related condition.

Allele frequency attached by ClinVar (database versions not stated): ExAC 0.00001; gnomAD exomes 0.00001; TOPMed 0.00001.
gnomAD v4.1: 13 of 1,582,948 alleles (0.00082%); highest among the groups gnomAD compares: Non-Finnish European, 0.00094%; no homozygotes.

Submissions (2):

Breakthrough Genomics
Classification: Likely benign. Review status: criteria provided, single submitter. Criteria: ACMG Guidelines, 2015. Collection method: not provided. Allele origin: germline. Inheritance: Unknown mechanism. Affected: yes.

PreventionGenetics, part of Exact Sciences
Classification: Likely benign for ITSN2-related condition. Last evaluated: 2022-10-19. Review status: no assertion criteria provided. Collection method: clinical testing. Allele origin: germline. Not counted in ClinVar's aggregate classification.
Comment: This variant is classified as likely benign based on ACMG/AMP sequence variant interpretation guidelines (Richards et al. 2015 PMID: 25741868, with internal and published modifications).